The following is an entry in ClinVar:

ClinVar aggregate classification (germline): Uncertain significance (1 of 4 stars; one submission).

Conditions:
DiGeorge syndrome. Also called: THIRD AND FOURTH PHARYNGEAL POUCH SYNDROME; Catch22. Identifiers: Orphanet 567, MedGen C0012236, MONDO:0008564, OMIM 188400.

Submission:

Labcorp Genetics (formerly Invitae), Labcorp
Classification: Uncertain significance for DiGeorge syndrome. Last evaluated: 2024-04-09. Review status: criteria provided, single submitter. Criteria: Invitae Variant Classification Sherloc (09022015). Collection method: clinical testing. Allele origin: germline.
Comment: This sequence change replaces alanine, which is neutral and non-polar, with glycine, which is neutral and non-polar, at codon 35 of the TBX1 protein (p.Ala35Gly). The frequency data for this variant in the population databases is considered unreliable, as metrics indicate insufficient coverage at this position in the gnomAD database. This variant has not been reported in the literature in individuals affected with TBX1-related conditions. Algorithms developed to predict the effect of missense changes on protein structure and function output the following: SIFT: "Not Available"; PolyPhen-2: "Not Available"; Align-GVGD: "Not Available". The glycine amino acid residue is found in multiple mammalian species, which suggests that this missense change does not adversely affect protein function. In summary, the available evidence is currently insufficient to determine the role of this variant in disease. Therefore, it has been classified as a Variant of Uncertain Significance.

NM_001379200.1(TBX1):c.131C>G (p.Ala44Gly)

Gene: TBX1 (T-box transcription factor 1; plus strand). Cytogenetic location: 22q11.21.
Variant type: single nucleotide variant.
Coding change: c.131C>G on transcript NM_001379200.1 (MANE Select); coding-DNA position 131, C replaced by G.
Protein change: p.Ala44Gly; replaces alanine 44 with glycine.
Molecular consequence: missense variant.
Genome position (GRCh38, 1-based): chr22:19,760,974, C>G. VCF-style: chr22-19760974-C-G. GRCh37 (hg19) VCF-style: chr22-19748497-C-G.
Other names: c.104C>G, p.Ala35Gly (NM_005992.1, NM_080646.2, NM_080647.1); short protein forms A35G, A44G.
Identifiers: ClinVar variation 3649399 (VCV003649399.2).
Genomic context (GRCh38, chr22:19,760,974, plus strand): 5'-CCAGCAGCCTGAGCAGCCTGGGGGCCGCGGGGGGCTTCCCGGGCGCCGCGTCGCCCGGCG[C>G]CGACCCGTACGGCCCGCGCGAGCCCCCGCCGCCGCCGCCGCGCTACGACCCGTGCGCCGC-3'
Protein context (NP_001366129.1, residues 34-54): GGFPGAASPG[Ala44Gly]DPYGPREPPP